The following is an entry in ClinVar:

NM_002161.6(IARS1):c.526G>A (p.Val176Met)

Gene: IARS1 (isoleucyl-tRNA synthetase 1; minus strand). Cytogenetic location: 9q22.31.
Variant type: single nucleotide variant.
Coding change: c.526G>A on transcript NM_002161.6 (MANE Select); coding-DNA position 526, G replaced by A.
Protein change: p.Val176Met; replaces valine 176 with methionine.
Molecular consequence: missense variant. On other transcripts: non-coding transcript variant (1).
Genome position (GRCh38, 1-based): chr9:92,285,793, C>T on the plus strand (G>A on the coding strand, the complement: IARS1 is on the minus strand). VCF-style: chr9-92285793-C-T. GRCh37 (hg19) VCF-style: chr9-95048075-C-T.
Other names: c.526G>A, p.Val176Met (NM_001374299.1, NM_001374300.1, NM_001374301.1 and 15 more transcripts); c.589G>A, p.Val197Met (NM_001378569.1); c.403G>A, p.Val135Met (NM_001378583.1); c.526G>A (NM_002161.5, NM_013417.2); short protein forms V176M, V135M, V197M.
Identifiers: ClinVar variation 2082699 (VCV002082699.4), dbSNP rs200707805, ClinGen allele CA5122940.

ClinVar aggregate classification (germline): Uncertain significance. Review status: criteria provided, multiple submitters, no conflicts (2 of 4 stars). 3 submissions from 3 submitters: Uncertain significance (3). Last evaluated 2023-04-13.

Allele frequency attached by ClinVar (database versions not stated): ExAC 0.00007; gnomAD 0.00009; TOPMed 0.00012; ESP Exome Variant Server 0.00015; gnomAD exomes 0.00025.
gnomAD v4.1: 366 of 1,613,496 alleles (0.023%); highest among the groups gnomAD compares: Non-Finnish European, 0.03%; no homozygotes.

Submissions (3):

Ambry Genetics
Classification: Uncertain significance. Last evaluated: 2023-04-13. Review status: criteria provided, single submitter. Criteria: Ambry Variant Classification Scheme 2023. Collection method: clinical testing. Allele origin: germline.

GeneDx
Classification: Uncertain significance. Last evaluated: 2022-10-12. Review status: criteria provided, single submitter. Criteria: GeneDx Variant Classification Process June 2021. Collection method: clinical testing. Allele origin: germline. Affected: yes.
Comment: In silico analysis supports that this missense variant does not alter protein structure/function; Has not been previously published as pathogenic or benign to our knowledge

Labcorp Genetics (formerly Invitae), Labcorp
Classification: Uncertain significance. Last evaluated: 2022-08-22. Review status: criteria provided, single submitter. Criteria: Invitae Variant Classification Sherloc (09022015). Collection method: clinical testing. Allele origin: germline.
Comment: This sequence change replaces valine, which is neutral and non-polar, with methionine, which is neutral and non-polar, at codon 176 of the IARS protein (p.Val176Met). This variant is present in population databases (rs200707805, gnomAD 0.01%). This variant has not been reported in the literature in individuals affected with IARS-related conditions. Algorithms developed to predict the effect of missense changes on protein structure and function output the following: SIFT: "Deleterious"; PolyPhen-2: "Benign"; Align-GVGD: "Class C0". The methionine amino acid residue is found in multiple mammalian species, which suggests that this missense change does not adversely affect protein function. In summary, the available evidence is currently insufficient to determine the role of this variant in disease. Therefore, it has been classified as a Variant of Uncertain Significance.